The following is an entry in ClinVar:

ClinVar aggregate classification (germline): Uncertain significance (1 of 4 stars; one submission).

gnomAD v4.1: 1 of 1,609,764 alleles (0.000062%); highest among the groups gnomAD compares: Non-Finnish European, 0.000085%; no homozygotes.

Submission:

GeneDx
Classification: Uncertain significance. Last evaluated: 2024-04-18. Review status: criteria provided, single submitter. Criteria: GeneDx Variant Classification Process June 2021. Collection method: clinical testing. Allele origin: germline. Affected: yes.
Comment: Not observed at significant frequency in large population cohorts (gnomAD); In silico analysis supports that this missense variant has a deleterious effect on protein structure/function; Has not been previously published as pathogenic or benign to our knowledge

NM_183357.3(ADCY5):c.1646C>T (p.Ser549Leu)

Gene: ADCY5 (adenylate cyclase 5; minus strand). Cytogenetic location: 3q21.1.
Variant type: single nucleotide variant.
Coding change: c.1646C>T on transcript NM_183357.3 (MANE Select); coding-DNA position 1646, C replaced by T.
Protein change: p.Ser549Leu; replaces serine 549 with leucine.
Molecular consequence: missense variant.
Genome position (GRCh38, 1-based): chr3:123,330,889, G>A on the plus strand (C>T on the coding strand, the complement: ADCY5 is on the minus strand). VCF-style: chr3-123330889-G-A. GRCh37 (hg19) VCF-style: chr3-123049736-G-A.
Other names: c.596C>T, p.Ser199Leu (NM_001199642.1); c.1646C>T, p.Ser549Leu (NM_001378259.1); short protein forms S199L, S549L.
Identifiers: ClinVar variation 3372786 (VCV003372786.1).
Genomic context (GRCh38, chr3:123,330,889, plus strand): 5'-GTCGCTCGGGCTGTGGACAGTCCCAGGGAGGGAGACGGTACCCGGGGGGTGGACACTTAC[G>A]AGATGGCCTCGATCATGTCCATGCCCATCTCCACACAGCAGTGGGCGTGGTCAGCCCTTG-3'
Protein context (NP_899200.1, residues 539-559): EMGMDMIEAI[Ser549Leu]LVREVTGVNV